The following is an entry in ClinVar:

ClinVar aggregate classification (germline): Conflicting classifications of pathogenicity. Review status: criteria provided, conflicting classifications (1 of 4 stars). 11 submissions from 8 submitters: Uncertain significance (4); Benign (1); Likely benign (4). 2 of the submissions do not count toward it. Last evaluated 2026-02-01.

Conditions:
Hereditary hyperinsulinism.
Maturity-onset diabetes of the young (MODY). Also called: Maturity onset diabetes mellitus in young. Identifiers: Orphanet 552, MedGen C0342276, MONDO:0018911, HP:0004904.
Permanent neonatal diabetes mellitus (PNDM). Identifiers: Orphanet 99885, MedGen C1833104, MONDO:0100164, MONDO:0011643. Disease mechanism: gain of function.
ABCC8-related disorder.
Transitory neonatal diabetes mellitus. Also called: Transient neonatal diabetes mellitus. Identifiers: MedGen C0342273, MONDO:0020525, HP:0008255.
Diabetes mellitus, transient neonatal, 2 (TNDM2). Identifiers: Orphanet 99886, MedGen C1835887, MONDO:0012480, OMIM 610374. Disease mechanism: loss of function.
Hyperinsulinemic hypoglycemia, familial, 1 (HHF1). Also called: HYPERINSULINISM, FAMILIAL, WITH PANCREATIC NESIDIOBLASTOSIS; HYPOGLYCEMIA, HYPERINSULINEMIC, OF INFANCY; NESIDIOBLASTOSIS OF PANCREAS; Persistent hyperinsulinemic hypoglycemia of infancy; Persistent Hyperinsulinemia Hypoglycemia of Infancy. Identifiers: Orphanet 276575, Orphanet 276598, MedGen C2931832, MONDO:0009734, OMIM 256450.

Allele frequency attached by ClinVar (database versions not stated): TOPMed 0.00017; gnomAD 0.00021 and 0.00024; gnomAD exomes 0.00022; ExAC 0.00023; ESP Exome Variant Server 0.00031.
gnomAD v4.1: 507 of 1,612,144 alleles (0.031%); highest among the groups gnomAD compares: Non-Finnish European, 0.04%; no homozygotes.

Submissions (11):

Labcorp Genetics (formerly Invitae), Labcorp
Classification: Likely benign. Last evaluated: 2026-02-01. Review status: criteria provided, single submitter. Criteria: Invitae Variant Classification Sherloc (09022015). Collection method: clinical testing. Allele origin: germline.

Blueprint Genetics
Classification: Likely benign. Last evaluated: 2024-09-24. Review status: criteria provided, single submitter. Criteria: ACMG Guidelines, 2015. Collection method: clinical testing. Allele origin: germline.

CeGaT Center for Human Genetics Tuebingen
Classification: Likely benign. Last evaluated: 2023-07-01. Review status: criteria provided, single submitter. Criteria: CeGaT Center For Human Genetics Tuebingen Variant Classification Criteria Version 2. Collection method: clinical testing. Allele origin: germline. Affected: yes. Observed: 1 variant allele.
Comment: ABCC8: BP4, BP7

Illumina Laboratory Services, Illumina
Classification: Uncertain significance for Hyperinsulinemic hypoglycemia, familial, 1. Last evaluated: 2018-01-13. Review status: criteria provided, single submitter. Criteria: ICSL Variant Classification Criteria 13 December 2019. Collection method: clinical testing. Allele origin: germline.

Illumina Laboratory Services, Illumina
Classification: Benign for Diabetes mellitus, transient neonatal, 2. Last evaluated: 2018-01-13. Review status: criteria provided, single submitter. Criteria: ICSL Variant Classification Criteria 13 December 2019. Collection method: clinical testing. Allele origin: germline.
Comment: This variant was observed in the ICSL laboratory as part of a predisposition screen in an ostensibly healthy population. It had not been previously curated by ICSL or reported in the Human Gene Mutation Database (HGMD: prior to June 1st, 2018), and was therefore a candidate for classification through an automated scoring system. Utilizing variant allele frequency, disease prevalence and penetrance estimates, and inheritance mode, an automated score was calculated to assess if this variant is too frequent to cause the disease. Based on the score and internal cut-off values, a variant classified as benign is not then subjected to further curation. The score for this variant resulted in a classification of benign for this disease.

Illumina Laboratory Services, Illumina
Classification: Uncertain significance for Permanent neonatal diabetes mellitus 1. Last evaluated: 2018-01-13. Review status: criteria provided, single submitter. Criteria: ICSL Variant Classification Criteria 13 December 2019. Collection method: clinical testing. Allele origin: germline.

Genetic Services Laboratory, University of Chicago
Classification: Likely benign. Last evaluated: 2018-01-12. Review status: criteria provided, single submitter. Criteria: ACMG Guidelines, 2015. Collection method: clinical testing. Allele origin: germline. Affected: no.

Clinical Genomics, Uppaluri K&H Personalized Medicine Clinic
Classification: Uncertain significance for Maturity-onset diabetes of the young. Review status: criteria provided, single submitter. Criteria: K & H Uppaluri Personalized Medicine Clinic Variant Classification & Assertion Criteria_Updated V.1. Collection method: research. Allele origin: unknown. Inheritance: Somatic mutation.
Comment: Mutations in ABCC8 gene are associated with both neonatal diabetes mellitus as well as MODY. Patients with this mutation may have a better response to sulfonylureas. However, no sufficient evidence is found to ascertain the role of this particular variant (rs199925058) in MODY yet.

Clinical Genomics, Uppaluri K&H Personalized Medicine Clinic
Classification: Uncertain significance for Transitory neonatal diabetes mellitus. Review status: criteria provided, single submitter. Criteria: K & H Uppaluri Personalized Medicine Clinic Variant Classification & Assertion Criteria_Updated V.1. Collection method: research. Allele origin: unknown. Inheritance: Somatic mutation.
Comment: Mutations in ABCC8 gene are associated with both neonatal diabetes mellitus as well as MODY. Patients with this mutation may have a better response to sulfonylureas. However, no sufficient evidence is found to ascertain the role of this particular variant (rs199925058) in neonatal diabetes yet.

PreventionGenetics, part of Exact Sciences
Classification: Likely benign for ABCC8-related condition. Last evaluated: 2024-09-16. Review status: no assertion criteria provided. Collection method: clinical testing. Allele origin: germline. Not counted in ClinVar's aggregate classification.
Comment: This variant is classified as likely benign based on ACMG/AMP sequence variant interpretation guidelines (Richards et al. 2015 PMID: 25741868, with internal and published modifications).

Natera, Inc.
Classification: Uncertain significance for Hereditary hyperinsulinism. Last evaluated: 2020-04-10. Review status: no assertion criteria provided. Collection method: clinical testing. Allele origin: germline. Not counted in ClinVar's aggregate classification.

Literature cited by the submitters: PubMed 16885549 (cited by Clinical Genomics, Uppaluri K&H Personalized Medicine Clinic); PubMed 21989597 (cited by Clinical Genomics, Uppaluri K&H Personalized Medicine Clinic); PubMed 27538677 (cited by Clinical Genomics, Uppaluri K&H Personalized Medicine Clinic); PubMed 18981553 (cited by Clinical Genomics, Uppaluri K&H Personalized Medicine Clinic); PubMed 32027066 (cited by Clinical Genomics, Uppaluri K&H Personalized Medicine Clinic); PubMed 16613899 (cited by Clinical Genomics, Uppaluri K&H Personalized Medicine Clinic); PubMed 18025408 (cited by Clinical Genomics, Uppaluri K&H Personalized Medicine Clinic); PubMed 32792356 (cited by Clinical Genomics, Uppaluri K&H Personalized Medicine Clinic).

NM_000352.6(ABCC8):c.105G>A (p.Pro35=)

Gene: ABCC8 (ATP binding cassette subfamily C member 8; minus strand). Cytogenetic location: 11p15.1.
Variant type: single nucleotide variant.
Coding change: c.105G>A on transcript NM_000352.6 (MANE Select); coding-DNA position 105, G replaced by A.
Protein change: p.Pro35=; no amino-acid change (proline 35 retained).
Molecular consequence: synonymous variant. On other transcripts: non-coding transcript variant (1).
Genome position (GRCh38, 1-based): chr11:17,476,672, C>T on the plus strand (G>A on the coding strand, the complement: ABCC8 is on the minus strand). VCF-style: chr11-17476672-C-T. GRCh37 (hg19) VCF-style: chr11-17498219-C-T.
Other names: c.105G>A, p.Pro35= (NM_001287174.3, NM_001351295.2, NM_001351296.2 and 1 more transcripts).
Identifiers: ClinVar variation 303789 (VCV000303789.47), dbSNP rs199925058, ClinGen allele CA5903981.